The following is an entry in ClinVar:

NC_000009.11:g.(6620320_6644613)_(6645693_?)del

Gene: GLDC (glycine decarboxylase; minus strand). Cytogenetic location: 9p24.1.
Variant type: Deletion.
Identifiers: ClinVar variation 1698553 (VCV001698553.1).

ClinVar aggregate classification (germline): Pathogenic (1 of 4 stars; one submission).

Conditions:
Glycine encephalopathy. Also called: Non-ketotic hyperglycinemia; Nonketotic hyperglycinemia. Identifiers: Orphanet 407, MedGen C0751748, MONDO:0011612, HP:0008288.

Submission:

Women's Health and Genetics/Laboratory Corporation of America, LabCorp
Classification: Pathogenic for Glycine encephalopathy. Last evaluated: 2022-06-14. Review status: criteria provided, single submitter. Criteria: LabCorp Variant Classification Summary - May 2015. Collection method: clinical testing. Allele origin: germline.
Comment: Variant summary: The variant identified by MLPA or other technology involves the deletion of exons 1-2 in the GLDC gene. A presumed nomenclature of c.(?_-194)_(334+1_335-1)del has been designated for the purposes of this classification. Although exact breakpoints of this deletion are not known, it is expected to result in an absent or shortened protein product, a known mechanism of disease. A large deletion (92,896 bp) that includes exons 1 and 2 of the GLDC gene was found at a frequency of 0.00061 in 21306 control chromosomes (gnomAD structural variants dataset). This frequency is not higher than the estimated maximum expected for a pathogenic variant in GLDC causing Glycine Encephalopathy (Non-Ketotic Hyperglycinemia) (0.0031), allowing no conclusion about variant significance. Several variants, described as deletion of exons 1-2, have been reported in the literature in compound heterozygous and homozygous form in individuals affected with Glycine Encephalopathy (Non-Ketotic Hyperglycinemia) (Applegarth_2001, Kanno_2007, Coughlin_2017 / LOVD database). These data indicate that the variant is likely to be associated with disease. To our knowledge, no experimental evidence demonstrating an impact on protein function has been reported. No clinical diagnostic laboratories have submitted clinical-significance assessments for this variant to ClinVar after 2014. Based on the evidence outlined above, the variant was classified as pathogenic.

Literature cited by the submitters: PubMed 27362913; PubMed 17361008; PubMed 11592811.